The following is an entry in ClinVar:

ClinVar aggregate classification (germline): Uncertain significance. Review status: criteria provided, multiple submitters, no conflicts (2 of 4 stars). 2 submissions from 2 submitters: Uncertain significance (2). Last evaluated 2025-06-08.

Allele frequency attached by ClinVar (database versions not stated): gnomAD exomes below 0.00001 and 0.00001; ExAC 0.00003.
gnomAD v4.1: 3 of 1,613,768 alleles (0.00019%); highest among the groups gnomAD compares: East Asian, 0.0067%; no homozygotes.

Submissions (2):

Labcorp Genetics (formerly Invitae), Labcorp
Classification: Uncertain significance. Last evaluated: 2025-06-08. Review status: criteria provided, single submitter. Criteria: Invitae Variant Classification Sherloc (09022015). Collection method: clinical testing. Allele origin: germline.
Comment: This sequence change replaces leucine, which is neutral and non-polar, with isoleucine, which is neutral and non-polar, at codon 313 of the NEK2 protein (p.Leu313Ile). This variant is present in population databases (rs775595439, gnomAD 0.02%). This variant has not been reported in the literature in individuals affected with NEK2-related conditions. ClinVar contains an entry for this variant (Variation ID: 1498755). An algorithm developed to predict the effect of missense changes on protein structure and function (PolyPhen-2) suggests that this variant is likely to be disruptive. In summary, the available evidence is currently insufficient to determine the role of this variant in disease. Therefore, it has been classified as a Variant of Uncertain Significance.

Blueprint Genetics
Classification: Uncertain significance. Last evaluated: 2019-02-06. Review status: criteria provided, single submitter. Criteria: ACMG Guidelines, 2015. Collection method: clinical testing. Allele origin: germline.

NM_002497.4(NEK2):c.937T>A (p.Leu313Ile)

Gene: NEK2 (NIMA related kinase 2; minus strand). Cytogenetic location: 1q32.3.
Variant type: single nucleotide variant.
Coding change: c.937T>A on transcript NM_002497.4 (MANE Select); coding-DNA position 937, T replaced by A.
Protein change: p.Leu313Ile; replaces leucine 313 with isoleucine.
Molecular consequence: missense variant.
Genome position (GRCh38, 1-based): chr1:211,669,161, A>T on the plus strand (T>A on the coding strand, the complement: NEK2 is on the minus strand). VCF-style: chr1-211669161-A-T. GRCh37 (hg19) VCF-style: chr1-211842503-A-T.
Other names: c.937T>A, p.Leu313Ile (NM_001204182.2, NM_001204183.2); short protein forms L313I.
Identifiers: ClinVar variation 1498755 (VCV001498755.7), dbSNP rs775595439, ClinGen allele CA1381563.
Genomic context (GRCh38, chr1:211,669,161, plus strand): 5'-ATTCAGACTTACGCTCCAATCTTTCTTCTCTTGCTTTGAGAGCTCGCTCTCGCTCCTGTA[A>T]CTGAATTTCCTTCAGTTTCAGCTCACTCAATACAGGGCTGGAATCCTGCGATTTTTCTGG-3'
Protein context (NP_002488.1, residues 303-323): LSELKLKEIQ[Leu313Ile]QERERALKAR